The following is an entry in ClinVar:

ClinVar aggregate classification (germline): Likely benign. Review status: criteria provided, multiple submitters, no conflicts (2 of 4 stars). 4 submissions from 4 submitters: Likely benign (4). Last evaluated 2024-01-19.

Conditions:
Aortic aneurysm, familial thoracic 4 (AAT4). Also called: AORTIC ANEURYSM/AORTIC DISSECTION AND PATENT DUCTUS ARTERIOSUS. Identifiers: MedGen C1851504, MONDO:0007568, OMIM 132900.
Familial thoracic aortic aneurysm and aortic dissection (TAAD). Also called: Thoracic aortic aneurysms and dissections. Identifiers: Orphanet 91387, MedGen C4707243, MONDO:0019625.

Allele frequency attached by ClinVar (database versions not stated): gnomAD 0.00001.
gnomAD v4.1: 7 of 1,612,024 alleles (0.00043%); highest among the groups gnomAD compares: East Asian, 0.0022%; no homozygotes.

Submissions (4):

Labcorp Genetics (formerly Invitae), Labcorp
Classification: Likely benign for Aortic aneurysm, familial thoracic 4. Last evaluated: 2024-01-19. Review status: criteria provided, single submitter. Criteria: Invitae Variant Classification Sherloc (09022015). Collection method: clinical testing. Allele origin: germline.

All of Us Research Program, National Institutes of Health
Classification: Likely benign for Familial thoracic aortic aneurysm and aortic dissection. Last evaluated: 2023-12-01. Review status: criteria provided, single submitter. Criteria: ACMG Guidelines, 2015. Collection method: clinical testing. Allele origin: germline. Inheritance: Autosomal dominant inheritance. Observed: 1 variant allele, 1 heterozygote.
Comment: This study involves interpretation of variants in research participants for the purpose of population health screening. Participant phenotype was not available at the time of variant classification. Additional details can be found in publication PMID: 35346344, PMCID: PMC8962531

Ambry Genetics
Classification: Likely benign for Familial thoracic aortic aneurysm and aortic dissection. Last evaluated: 2020-07-17. Review status: criteria provided, single submitter. Criteria: Ambry Variant Classification Scheme 2023. Collection method: clinical testing. Allele origin: germline.

Color Diagnostics, LLC DBA Color Health
Classification: Likely benign for Familial thoracic aortic aneurysm and aortic dissection. Last evaluated: 2019-07-27. Review status: criteria provided, single submitter. Criteria: ACMG Guidelines, 2015. Collection method: clinical testing. Allele origin: germline.

NM_002474.3(MYH11):c.3840C>T (p.Asp1280=)

Gene: MYH11 (myosin heavy chain 11; minus strand). Cytogenetic location: 16p13.11.
Variant type: single nucleotide variant.
Coding change: c.3840C>T on transcript NM_002474.3 (MANE Select); coding-DNA position 3840, C replaced by T.
Protein change: p.Asp1280=; no amino-acid change (aspartic acid 1280 retained).
Molecular consequence: synonymous variant.
Genome position (GRCh38, 1-based): chr16:15,726,866, G>A on the plus strand (C>T on the coding strand, the complement: MYH11 is on the minus strand). VCF-style: chr16-15726866-G-A. GRCh37 (hg19) VCF-style: chr16-15820723-G-A.
Other names: c.3861C>T, p.Asp1287= (NM_001040113.2, NM_001040114.2); c.3840C>T, p.Asp1280= (NM_022844.3).
Identifiers: ClinVar variation 919545 (VCV000919545.8), dbSNP rs1279730451, ClinGen allele CA493765695.